The following is an entry in ClinVar:

ClinVar aggregate classification (germline): Pathogenic/Likely pathogenic. Review status: criteria provided, multiple submitters, no conflicts (2 of 4 stars). 2 submissions from 2 submitters: Pathogenic (1); Likely pathogenic (1). Last evaluated 2025-04-26.

Conditions:
Meckel-Gruber syndrome. Also called: DYSENCEPHALIA SPLANCHNOCYSTICA; GRUBER SYNDROME; Dysencephalia splachnocystica. Identifiers: Orphanet 564, MedGen C0265215, MONDO:0018921.
Joubert syndrome. Also called: Familial aplasia of the vermis; JOUBERT-BOLTSHAUSER SYNDROME. Identifiers: Orphanet 475, MedGen C5979921, MONDO:0018772.
TCTN2-related disorder. Also called: TCTN2-related condition; TCTN2-related disorders. Identifiers: MedGen CN239412.

gnomAD v4.1: 3 of 1,613,922 alleles (0.00019%); highest among the groups gnomAD compares: Non-Finnish European, 0.00025%; no homozygotes.

Submissions (2):

Labcorp Genetics (formerly Invitae), Labcorp
Classification: Pathogenic for Joubert syndrome; Meckel-Gruber syndrome. Last evaluated: 2025-04-26. Review status: criteria provided, single submitter. Criteria: Invitae Variant Classification Sherloc (09022015). Collection method: clinical testing. Allele origin: germline.
Comment: This sequence change affects an acceptor splice site in intron 2 of the TCTN2 gene. It is expected to disrupt RNA splicing. Variants that disrupt the donor or acceptor splice site typically lead to a loss of protein function (PMID: 16199547), and loss-of-function variants in TCTN2 are known to be pathogenic (PMID: 21565611). This variant is present in population databases (rs368944276, gnomAD 0.0009%). Disruption of this splice site has been observed in individual(s) with clinical features of Joubert syndrome (internal data). Algorithms developed to predict the effect of sequence changes on RNA splicing suggest that this variant may disrupt the consensus splice site. For these reasons, this variant has been classified as Pathogenic.

Blueprint Genetics
Classification: Likely pathogenic for TCTN2-related disorders. Last evaluated: 2024-06-21. Review status: criteria provided, single submitter. Criteria: ACMG Guidelines, 2015. Collection method: clinical testing. Allele origin: germline. Affected: yes. Observed: 2 variant alleles.

Literature cited by the submitters: PubMed 16199547 (cited by Labcorp Genetics (formerly Invitae), Labcorp); PubMed 21565611 (cited by Labcorp Genetics (formerly Invitae), Labcorp).

NM_024809.5(TCTN2):c.191-2A>T

Gene: TCTN2 (tectonic family member 2; plus strand). Cytogenetic location: 12q24.31.
Variant type: single nucleotide variant.
Coding change: c.191-2A>T on transcript NM_024809.5 (MANE Select); the canonical splice acceptor site of the intron before coding-DNA position 191, A replaced by T.
Molecular consequence: splice acceptor variant.
Genome position (GRCh38, 1-based): chr12:123,672,054, A>T. VCF-style: chr12-123672054-A-T. GRCh37 (hg19) VCF-style: chr12-124156601-A-T.
Other names: c.191-2A>T (NM_001410989.1, NM_001143850.3).
Identifiers: ClinVar variation 4787571 (VCV004787571.2).